The following is an entry in ClinVar:

ClinVar aggregate classification (germline): Uncertain significance (1 of 4 stars; one submission).

Conditions:
Pitt-Hopkins-like syndrome 2 (PTHSL2). Identifiers: Orphanet 221150, Orphanet 600663, MedGen C3280479, MONDO:0013690, OMIM 614325.

Allele frequency attached by ClinVar (database versions not stated): gnomAD exomes below 0.00001; TOPMed below 0.00001.
gnomAD v4.1: 1 of 1,611,808 alleles (0.000062%); highest among the groups gnomAD compares: Non-Finnish European, 0.000085%; no homozygotes.

Submission:

Labcorp Genetics (formerly Invitae), Labcorp
Classification: Uncertain significance for Pitt-Hopkins-like syndrome 2. Last evaluated: 2021-05-14. Review status: criteria provided, single submitter. Criteria: Invitae Variant Classification Sherloc (09022015). Collection method: clinical testing. Allele origin: germline.
Comment: This sequence change falls in intron 14 of the NRXN1 gene. It does not directly change the encoded amino acid sequence of the NRXN1 protein, but it affects a nucleotide within the consensus splice site of the intron. In summary, the available evidence is currently insufficient to determine the role of this variant in disease. Therefore, it has been classified as a Variant of Uncertain Significance. Nucleotide substitutions within the consensus splice site are a relatively common cause of aberrant splicing (PMID: 17576681, 9536098). Algorithms developed to predict the effect of sequence changes on RNA splicing suggest that this variant may create or strengthen a splice site, but this prediction has not been confirmed by published transcriptional studies. This variant has not been reported in the literature in individuals with NRXN1-related disease. This variant is not present in population databases (ExAC no frequency).

Literature cited by the submitters: PubMed 17576681; PubMed 9536098.

NM_001330078.2(NRXN1):c.2497+5A>G

Gene: NRXN1 (neurexin 1; minus strand). Cytogenetic location: 2p16.3.
Variant type: single nucleotide variant.
Coding change: c.2497+5A>G on transcript NM_001330078.2 (MANE Select); 5 bases into the intron after coding-DNA position 2497, A replaced by G.
Molecular consequence: intron variant.
Genome position (GRCh38, 1-based): chr2:50,506,490, T>C on the plus strand (A>G on the coding strand, the complement: NRXN1 is on the minus strand). VCF-style: chr2-50506490-T-C. GRCh37 (hg19) VCF-style: chr2-50733628-T-C.
Other names: c.2386+5A>G (NM_001330096.2, NM_001330087.2); c.2431+5A>G (NM_001330083.2, NM_001330084.2); c.2416+5A>G (NM_001330088.2); c.2494+5A>G (NM_001330093.2); c.2485+5A>G (NM_001330094.2); c.2446+5A>G (NM_001330095.2); c.2473+5A>G (NM_001330082.2, NM_001330077.2); c.2470+5A>G (NM_001330085.2); and 2 more.
Identifiers: ClinVar variation 659930 (VCV000659930.8), dbSNP rs1573307996, ClinGen allele CA915943910.